The following is an entry in ClinVar:

ClinVar aggregate classification (germline): Uncertain significance. Review status: criteria provided, multiple submitters, no conflicts (2 of 4 stars). 4 submissions from 4 submitters: Uncertain significance (4). Last evaluated 2025-11-28.

Conditions:
Inborn genetic diseases. Identifiers: MedGen C0950123, MeSH D030342.
Familial cold autoinflammatory syndrome 4 (FCAS4). Identifiers: Orphanet 47045, Orphanet 576349, MedGen C4015276, MONDO:0014498, OMIM 616115.
Periodic fever-infantile enterocolitis-autoinflammatory syndrome. Also called: Autoinflammation with infantile enterocolitis. Identifiers: Orphanet 436166, MedGen C4015067, MONDO:0014472, OMIM 616050.

Allele frequency attached by ClinVar (database versions not stated): TOPMed 0.00002.
gnomAD v4.1: 45 of 1,614,180 alleles (0.0028%); highest among the groups gnomAD compares: Non-Finnish European, 0.0037%; no homozygotes.

Submissions (4):

Labcorp Genetics (formerly Invitae), Labcorp
Classification: Uncertain significance for Periodic fever-infantile enterocolitis-autoinflammatory syndrome; Familial cold autoinflammatory syndrome 4. Last evaluated: 2025-11-28. Review status: criteria provided, single submitter. Criteria: Invitae Variant Classification Sherloc (09022015). Collection method: clinical testing. Allele origin: germline.
Comment: This sequence change replaces arginine, which is basic and polar, with glycine, which is neutral and non-polar, at codon 288 of the NLRC4 protein (p.Arg288Gly). This variant is present in population databases (rs747147167, gnomAD 0.002%). This variant has not been reported in the literature in individuals affected with NLRC4-related conditions. ClinVar contains an entry for this variant (Variation ID: 451695). Invitae Evidence Modeling of protein sequence and biophysical properties (such as structural, functional, and spatial information, amino acid conservation, physicochemical variation, residue mobility, and thermodynamic stability) indicates that this missense variant is expected to disrupt NLRC4 protein function with a positive predictive value of 80%. In summary, the available evidence is currently insufficient to determine the role of this variant in disease. Therefore, it has been classified as a Variant of Uncertain Significance.

Mayo Clinic Laboratories, Mayo Clinic
Classification: Uncertain significance. Last evaluated: 2025-05-27. Review status: criteria provided, single submitter. Criteria: ACMG Guidelines, 2015. Collection method: clinical testing. Allele origin: germline. Observed: 1 variant allele.

Ambry Genetics
Classification: Uncertain significance for Inborn genetic diseases. Last evaluated: 2025-04-11. Review status: criteria provided, single submitter. Criteria: Ambry Variant Classification Scheme 2023. Collection method: clinical testing. Allele origin: germline.

GeneDx
Classification: Uncertain significance. Last evaluated: 2017-08-31. Review status: criteria provided, single submitter. Criteria: GeneDx Variant Classification (06012015). Collection method: clinical testing. Allele origin: germline. Affected: yes.
Comment: The R288G variant in the NLRC4 gene has not been reported previously as a pathogenic variant, nor as a benign variant, to our knowledge. The R288G variant is not observed at a significant frequency in large population cohorts (Lek et al., 2016; 1000 Genomes Consortium et al., 2015; Exome Variant Server). The R288G variant is a non-conservative amino acid substitution, which is likely to impact secondary protein structure as these residues differ in polarity, charge, size and/or other properties. This substitution occurs at a position that is conserved across species. In silico analysis is inconsistent in its predictions as to whether or not the variant is damaging to the protein structure/function. We interpret R288G as a variant of uncertain significance

NM_001199138.2(NLRC4):c.862C>G (p.Arg288Gly)

Gene: NLRC4 (NLR family CARD domain containing 4; minus strand). Cytogenetic location: 2p22.3.
Variant type: single nucleotide variant.
Coding change: c.862C>G on transcript NM_001199138.2 (MANE Select); coding-DNA position 862, C replaced by G.
Protein change: p.Arg288Gly; replaces arginine 288 with glycine.
Molecular consequence: missense variant. On other transcripts: intron variant (1).
Genome position (GRCh38, 1-based): chr2:32,251,002, G>C on the plus strand (C>G on the coding strand, the complement: NLRC4 is on the minus strand). VCF-style: chr2-32251002-G-C. GRCh37 (hg19) VCF-style: chr2-32476071-G-C.
Other names: p.Arg288Gly; c.862C>G, p.Arg288Gly (NM_001199139.2, NM_021209.5); c.262+1417C>G (NM_001302504.1); short protein forms R288G.
Identifiers: ClinVar variation 451695 (VCV000451695.11), dbSNP rs747147167, ClinGen allele CA1602076.
Genomic context (GRCh38, chr2:32,251,002, plus strand): 5'-GAGCCTGGGCGCTGTCTTCTGTCATATCCCCCACCTCAGCAGTCAGGGCACCAAACTGCC[G>C]TATGTGCCTCAGGCACTCAGTGGTAGTGGTGACGATGACCATGTTCTTGAAGCGGTGGTT-3'
Protein context (NP_001186067.1, residues 278-298): TTTTECLRHI[Arg288Gly]QFGALTAEVG